The following is an entry in ClinVar:

NM_001267550.2(TTN):c.69420del (p.Gly23141fs)

Genes: TTN (titin; minus strand), TTN-AS1 (TTN antisense RNA 1; plus strand). Cytogenetic location: 2q31.2.
Variant type: Deletion.
Coding change: c.69420del on transcript NM_001267550.2 (MANE Select); coding-DNA position 69420, one base deleted (T; older notation c.69420delT).
Protein change: p.Gly23141fs; shifts the reading frame from glycine 23141.
Molecular consequence: frameshift variant.
Genome position (GRCh38, 1-based): chr2:178,576,824, A deleted on the plus strand (T on the coding strand, the reverse complement: TTN is on the minus strand). VCF-style (leftmost placement, unchanged base first): chr2-178576823-CA-C. GRCh37 (hg19) VCF-style: chr2-179441550-CA-C.
Other names: c.64497del, p.Gly21500fs (NM_001256850.1); c.42225del, p.Gly14076fs (NM_003319.4); c.61716del, p.Gly20573fs (NM_133378.4); c.42600del, p.Gly14201fs (NM_133432.3); c.42801del, p.Gly14268fs (NM_133437.4); c.42225delT (NM_003319.4); short protein forms G14268fs, G21500fs, G14076fs, G14201fs, G20573fs, G23141fs.
Identifiers: ClinVar variation 848801 (VCV000848801.14), dbSNP rs1330960948, ClinGen allele CA538435358.

ClinVar aggregate classification (germline): Likely pathogenic. Review status: criteria provided, multiple submitters, no conflicts (2 of 4 stars). 5 submissions from 5 submitters: Likely pathogenic (4). 1 of the submissions does not count toward it. Last evaluated 2025-09-08.

Conditions:
Cardiovascular phenotype. Identifiers: MedGen CN230736.
Autosomal recessive limb-girdle muscular dystrophy type 2J (LGMDR10). Also called: MUSCULAR DYSTROPHY, LIMB-GIRDLE, AUTOSOMAL RECESSIVE 10; Limb-girdle muscular dystrophy, type 2J. Identifiers: Orphanet 140922, MedGen C1837342, MONDO:0012127, OMIM 608807.
Dilated cardiomyopathy 1G (CMD1G). Identifiers: Orphanet 154, MedGen C1858763, MONDO:0011400, OMIM 604145.
Hypertrophic cardiomyopathy 9. Also called: Familial hypertrophic cardiomyopathy 9. Identifiers: MedGen C1861065, MONDO:0013412, OMIM 613765.

Allele frequency attached by ClinVar (database versions not stated): gnomAD exomes below 0.00001 and 0.00001.

Submissions (5):

Human Genetics Bochum, Ruhr University Bochum
Classification: Likely pathogenic for Dilated cardiomyopathy 1G. Last evaluated: 2025-09-08. Review status: criteria provided, single submitter. Criteria: ACMG Guidelines, 2015. Collection method: clinical testing. Allele origin: germline. Affected: yes.
Comment: ACMG criteria used to clasify this variant: PVS1, PM2_SUP

Ambry Genetics
Classification: Likely pathogenic for Cardiovascular phenotype. Last evaluated: 2025-06-06. Review status: criteria provided, single submitter. Criteria: Ambry Variant Classification Scheme 2023. Collection method: clinical testing. Allele origin: germline.
Comment: The c.42225delT variant, located in coding exon 152 of the TTN gene, results from a deletion of one nucleotide at nucleotide position 42225, causing a translational frameshift with a predicted alternate stop codon (p.G14076Afs*36). This exon is located in the A-band region of the N2-B isoform of the titin protein and is constitutively expressed in TTN transcripts (percent spliced in or PSI 100%). This variant is expected to result in loss of function by premature protein truncation or nonsense-mediated mRNA decay. While truncating variants in TTN are present in 1-3% of the general population, truncating variants in the A-band are the most common cause of dilated cardiomyopathy (Herman DS et al. N. Engl. J. Med., 2012 Feb;366:619-28; Roberts AM et al. Sci Transl Med, 2015 Jan;7:270ra6). TTN truncating variants encoded in constitutive exons (PSI >90%) have been found to be significantly associated with DCM regardless of their position in titin (Schafer S et al. Nat. Genet., 2017 01;49:46-53; Akhtar MM et al. Circ Heart Fail, 2020 Oct;13:e006832; Massier M et al. Clin Genet, 2025 Jan). Based on the majority of available evidence to date, this variant is likely to be pathogenic.

Labcorp Genetics (formerly Invitae), Labcorp
Classification: Likely pathogenic for Dilated cardiomyopathy 1G; Autosomal recessive limb-girdle muscular dystrophy type 2J. Last evaluated: 2024-04-22. Review status: criteria provided, single submitter. Criteria: Invitae Variant Classification Sherloc (09022015). Collection method: clinical testing. Allele origin: germline.
Comment: This sequence change creates a premature translational stop signal (p.Gly23141Alafs*36) in the TTN gene. While this is not anticipated to result in nonsense mediated decay, it is expected to create a truncated TTN protein. This variant is present in population databases (no rsID available, gnomAD 0.01%). This premature translational stop signal has been observed in individual(s) with dilated cardiomyopathy (Invitae). ClinVar contains an entry for this variant (Variation ID: 848801). This variant is located in the A band of TTN (PMID: 25589632). Truncating variants in this region are significantly overrepresented in patients affected with dilated cardiomyopathy (PMID: 25589632). Truncating variants in this region have also been reported in individuals affected with autosomal recessive centronuclear myopathy (PMID: 23975875). In summary, the currently available evidence indicates that the variant is pathogenic, but additional data are needed to prove that conclusively. Therefore, this variant has been classified as Likely Pathogenic.

New York Genome Center
Classification: Likely pathogenic for Hypertrophic cardiomyopathy 9; Dilated cardiomyopathy 1G. Last evaluated: 2022-08-12. Review status: criteria provided, single submitter. Criteria: NYGC Assertion Criteria 2020. Collection method: clinical testing. Allele origin: germline. Affected: yes. Observed: 1 heterozygote.
Comment: The c.69420del p.(Gly23141AlafsTer36) variant in the TTN gene has previously been deposited in ClinVar [ClinVar ID: 848801] as Likely Pathogenic and to our current knowledge has not been reported in affected individuals in the literature. The c.69420del variant is observed in 3 alleles (~0.0006% minor allele frequency with 0 homozygotes) in population databases (gnomAD v2.1.1 and v3.1.2, TOPMed Freeze 8), suggesting it is not a common benign variant in the populations represented in those databases. The c.69420del variant in TTN is located in exon 325 of this 363-exon gene, predicted to incorporate a premature termination codon (p.(Gly23141AlafsTer36)), and is expected to result in loss-of-function either through protein truncation or nonsense-mediated mRNA decay. The p.(Gly23141AlafsTer36) residue is within the A-band of TTN, where most variants associated with dilated cardiomyopathy are located [PMID:26777568,27869827, 28045975]. Individuals with pathogenic truncating variants in TTN also have a high prevalence of atrial and ventricular arrhythmias [PMID:32964742;30333491]. Based on available evidence, this c.69420del p.(Gly23141AlafsTer36) variant identified in the TTN gene is classified as Likely Pathogenic.

Cardiogenetics and Myogenetics Molecular and Cellular Functional Unit, Aphp Sorbonne University-Hopital Pitie Salpetriere
Classification: Likely pathogenic for Dilated cardiomyopathy 1G. Last evaluated: 2024-01-06. Review status: no assertion criteria provided. Collection method: clinical testing. Allele origin: germline. Affected: yes. Not counted in ClinVar's aggregate classification.

Literature cited by the submitters: PubMed 25589632 (cited by Labcorp Genetics (formerly Invitae), Labcorp); PubMed 23975875 (cited by Labcorp Genetics (formerly Invitae), Labcorp).